The following is an entry in ClinVar:

NM_000255.4(MMUT):c.751A>T (p.Lys251Ter)

Gene: MMUT (methylmalonyl-CoA mutase; minus strand). Cytogenetic location: 6p12.3.
Variant type: single nucleotide variant.
Coding change: c.751A>T on transcript NM_000255.4 (MANE Select); coding-DNA position 751, A replaced by T.
Protein change: p.Lys251Ter; replaces lysine 251 with a stop codon.
Molecular consequence: nonsense.
Genome position (GRCh38, 1-based): chr6:49,457,693, T>A on the plus strand (A>T on the coding strand, the complement: MMUT is on the minus strand). VCF-style: chr6-49457693-T-A. GRCh37 (hg19) VCF-style: chr6-49425406-T-A.
Other names: short protein forms K251*.
Identifiers: ClinVar variation 1453225 (VCV001453225.8), dbSNP rs1319034847, ClinGen allele CA364403575.
Genomic context (GRCh38, chr6:49,457,693, plus strand): 5'-GTAAAAATTCCTACATTCAAGGAACTATAGAAAAACCTATAATAACCACAAAGTATACCT[T>A]TGCTGTATATTCAAATATGTCAGCAATAATTTTCATGGATGGTTCTGGAGGAAAAATGTA-3'

ClinVar aggregate classification (germline): Pathogenic/Likely pathogenic. Review status: criteria provided, multiple submitters, no conflicts (2 of 4 stars). 2 submissions from 2 submitters: Pathogenic (1); Likely pathogenic (1). Last evaluated 2022-01-02.

Conditions:
Methylmalonic aciduria due to methylmalonyl-CoA mutase deficiency (MAMM). Also called: Methylmalonic aciduria, mut type. Identifiers: Orphanet 27, MedGen C1855114, MONDO:0009612, OMIM 251000.

Submissions (2):

Myriad Genetics, Inc.
Classification: Likely pathogenic for Methylmalonic aciduria due to methylmalonyl-CoA mutase deficiency. Last evaluated: 2022-01-02. Review status: criteria provided, single submitter. Criteria: Myriad Women's Health Autosomal Recessive and X-Linked Classification Criteria (2021). Collection method: clinical testing. Allele origin: unknown.
Comment: NM_000255.3(MMUT):c.751A>T(K251*) is expected to be pathogenic in the context of methylmalonic acidemia, MMUT-related. This variant is predicted to lead to an abnormal or absent protein product due to the creation of a premature termination codon in MMUT, a gene where loss-of-function variants are known to be pathogenic. Please note: this variant was assessed in the context of healthy population screening.

Labcorp Genetics (formerly Invitae), Labcorp
Classification: Pathogenic. Last evaluated: 2021-12-12. Review status: criteria provided, single submitter. Criteria: Invitae Variant Classification Sherloc (09022015). Collection method: clinical testing. Allele origin: germline.
Comment: This variant is not present in population databases (gnomAD no frequency). This sequence change creates a premature translational stop signal (p.Lys251*) in the MUT gene. It is expected to result in an absent or disrupted protein product. Loss-of-function variants in MUT are known to be pathogenic (PMID: 15781192). This variant has not been reported in the literature in individuals affected with MUT-related conditions. For these reasons, this variant has been classified as Pathogenic.

Literature cited by the submitters: PubMed 15781192 (cited by Labcorp Genetics (formerly Invitae), Labcorp).